The following is an entry in ClinVar:

NM_001868.4(CPA1):c.192C>A (p.Asp64Glu)

Gene: CPA1 (carboxypeptidase A1; plus strand). Cytogenetic location: 7q32.2.
Variant type: single nucleotide variant.
Coding change: c.192C>A on transcript NM_001868.4 (MANE Select); coding-DNA position 192, C replaced by A.
Protein change: p.Asp64Glu; replaces aspartic acid 64 with glutamic acid.
Molecular consequence: missense variant.
Genome position (GRCh38, 1-based): chr7:130,381,674, C>A. VCF-style: chr7-130381674-C-A. GRCh37 (hg19) VCF-style: chr7-130021515-C-A.
Other names: short protein forms D64E.
Identifiers: ClinVar variation 4825906 (VCV004825906.1).

ClinVar aggregate classification (germline): Uncertain significance (1 of 4 stars; one submission).

Conditions:
Hereditary pancreatitis (PCTT). Also called: Hereditary chronic pancreatitis; PRSS1-Related Hereditary Pancreatitis. Identifiers: Orphanet 676, MedGen C0238339, MONDO:0008185, OMIM 167800.

Submission:

Ambry Genetics
Classification: Uncertain significance for Hereditary pancreatitis. Last evaluated: 2026-02-28. Review status: criteria provided, single submitter. Criteria: Ambry Variant Classification Scheme 2023. Collection method: clinical testing. Allele origin: germline.
Comment: The p.D64E variant (also known as c.192C>A), located in coding exon 3 of the CPA1 gene, results from a C to A substitution at nucleotide position 192. The aspartic acid at codon 64 is replaced by glutamic acid, an amino acid with highly similar properties. This amino acid position is conserved. In addition, this alteration is predicted to be tolerated by in silico analysis. Based on the available evidence, the clinical significance of this variant remains unclear.